The following is an entry in ClinVar:

ClinVar aggregate classification (germline): Pathogenic. Review status: criteria provided, multiple submitters, no conflicts (2 of 4 stars). 3 submissions from 3 submitters: Pathogenic (3). Last evaluated 2025-10-15.

Conditions:
Hereditary cancer-predisposing syndrome. Also called: Tumor predisposition; Hereditary neoplastic syndrome; Neoplastic Syndromes, Hereditary; Hereditary Cancer Syndrome. Identifiers: Orphanet 140162, MedGen C0027672, MeSH D009386, MONDO:0015356.
Familial cancer of breast. Also called: Hereditary breast cancer; BREAST CANCER, FAMILIAL; hereditary breast carcinoma. Identifiers: Orphanet 227535, MedGen C0346153, MONDO:0016419, OMIM 114480. Disease mechanism: loss of function.

Submissions (3):

Labcorp Genetics (formerly Invitae), Labcorp
Classification: Pathogenic for Familial cancer of breast. Last evaluated: 2025-10-15. Review status: criteria provided, single submitter. Criteria: Invitae Variant Classification Sherloc (09022015). Collection method: clinical testing. Allele origin: germline.
Comment: This sequence change creates a premature translational stop signal (p.Leu431Alafs*7) in the BARD1 gene. It is expected to result in an absent or disrupted protein product. Loss-of-function variants in BARD1 are known to be pathogenic (PMID: 20077502, 21344236). This variant is not present in population databases (gnomAD no frequency). This variant has not been reported in the literature in individuals affected with BARD1-related conditions. ClinVar contains an entry for this variant (Variation ID: 2583397). For these reasons, this variant has been classified as Pathogenic.

Ambry Genetics
Classification: Pathogenic for Hereditary cancer-predisposing syndrome. Last evaluated: 2023-09-14. Review status: criteria provided, single submitter. Criteria: Ambry Variant Classification Scheme 2023. Collection method: clinical testing. Allele origin: germline.
Comment: The c.1291_1292delTT pathogenic mutation, located in coding exon 4 of the BARD1 gene, results from a deletion of two nucleotides at nucleotide positions 1291 to 1292, causing a translational frameshift with a predicted alternate stop codon (p.L431Afs*7). This variant is considered to be rare based on population cohorts in the Genome Aggregation Database (gnomAD). This alteration is expected to result in loss of function by premature protein truncation or nonsense-mediated mRNA decay. As such, this alteration is interpreted as a disease-causing mutation.

Myriad Genetics, Inc.
Classification: Pathogenic for Familial cancer of breast. Last evaluated: 2023-05-22. Review status: criteria provided, single submitter. Criteria: Myriad Autosomal Dominant, Autosomal Recessive and X-Linked Classification Criteria (2023). Collection method: clinical testing. Allele origin: unknown.
Comment: This variant is considered pathogenic. This variant creates a frameshift predicted to result in premature protein truncation.

Literature cited by the submitters: PubMed 20077502 (cited by Labcorp Genetics (formerly Invitae), Labcorp); PubMed 21344236 (cited by Labcorp Genetics (formerly Invitae), Labcorp).

NM_000465.4(BARD1):c.1291_1292del (p.Leu431fs)

Gene: BARD1 (BRCA1 associated RING domain 1; minus strand). Cytogenetic location: 2q35.
Variant type: Deletion.
Coding change: c.1291_1292del on transcript NM_000465.4 (MANE Select); coding-DNA positions 1291 to 1292, 2 bases deleted (TT; older notation c.1291_1292delTT).
Protein change: p.Leu431fs; shifts the reading frame from leucine 431.
Molecular consequence: frameshift variant. On other transcripts: non-coding transcript variant (2), intron variant (3).
Genome position (GRCh38, 1-based): chr2:214,780,582-214,780,583, AA deleted on the plus strand (TT on the coding strand, the reverse complement: BARD1 is on the minus strand); deleting any 2 consecutive bases within chr2:214,780,582-214,780,584 gives the same sequence; the c. name uses the placement nearest the transcript's 3' end. VCF-style (leftmost placement, unchanged base first): chr2-214780581-CAA-C. GRCh37 (hg19) VCF-style: chr2-215645305-CAA-C.
Other names: c.1234_1235del, p.Leu412fs (NM_001282543.2); c.159-28028_159-28027del (NM_001282548.2); c.215+16478_215+16479del (NM_001282545.2); c.364+11714_364+11715del (NM_001282549.2); c.1291_1292delTT (NM_000465.2); short protein forms L412fs, L431fs.
Identifiers: ClinVar variation 2583397 (VCV002583397.4), dbSNP rs2469500676, ClinGen allele CA2582342086.